The following is an entry in ClinVar:

NM_001853.4(COL9A3):c.1134C>A (p.Arg378=)

Gene: COL9A3 (collagen type IX alpha 3 chain; plus strand). Cytogenetic location: 20q13.33.
Variant type: single nucleotide variant.
Coding change: c.1134C>A on transcript NM_001853.4 (MANE Select); coding-DNA position 1134, C replaced by A.
Protein change: p.Arg378=; no amino-acid change (arginine 378 retained).
Molecular consequence: synonymous variant.
Genome position (GRCh38, 1-based): chr20:62,829,792, C>A. VCF-style: chr20-62829792-C-A. GRCh37 (hg19) VCF-style: chr20-61461144-C-A.
Identifiers: ClinVar variation 2955526 (VCV002955526.3), dbSNP rs138208105, ClinGen allele CA9949776.
Genomic context (GRCh38, chr20:62,829,792, plus strand): 5'-CCCTGCCCTGACACCCTCCTTCCTTTCCCTGTAGGGAGATGCTGGCATGCCTGGGGAGCG[C>A]GGTGAGGCTGGCCACCGGGGCTCAGCGGTGAGTGCAGGGACATGGCCCGGGGTCGGGGGT-3'
Protein context (NP_001844.3, residues 368-388): VPGDAGMPGE[Arg378=]GEAGHRGSAG

ClinVar aggregate classification (germline): Uncertain significance (1 of 4 stars; one submission).

Submission:

Labcorp Genetics (formerly Invitae), Labcorp
Classification: Uncertain significance. Last evaluated: 2025-05-17. Review status: criteria provided, single submitter. Criteria: Invitae Variant Classification Sherloc (09022015). Collection method: clinical testing. Allele origin: germline.
Comment: This sequence change affects codon 378 of the COL9A3 mRNA. It is a 'silent' change, meaning that it does not change the encoded amino acid sequence of the COL9A3 protein. The frequency data for this variant in the population databases is considered unreliable, as metrics indicate poor data quality at this position in the gnomAD database. This variant has not been reported in the literature in individuals affected with COL9A3-related conditions. ClinVar contains an entry for this variant (Variation ID: 2955526). Algorithms developed to predict the effect of sequence changes on RNA splicing suggest that this variant may create or strengthen a splice site. In summary, the available evidence is currently insufficient to determine the role of this variant in disease. Therefore, it has been classified as a Variant of Uncertain Significance.